The following is an entry in ClinVar:

ClinVar aggregate classification (germline): Pathogenic (1 of 4 stars; one submission).

Conditions:
Juvenile polyposis syndrome (JPS). Identifiers: Orphanet 2929, MedGen C0345893, MONDO:0017380, OMIM 174900.

Submission:

Labcorp Genetics (formerly Invitae), Labcorp
Classification: Pathogenic for Juvenile polyposis syndrome. Last evaluated: 2020-06-13. Review status: criteria provided, single submitter. Criteria: Invitae Variant Classification Sherloc (09022015). Collection method: clinical testing. Allele origin: germline.
Comment: Loss-of-function variants in BMPR1A are known to be pathogenic (PMID: 11536076, 12417513). This variant has not been reported in the literature in individuals with BMPR1A-related conditions. This variant is an out-of-frame deletion of the genomic region encompassing exon 5 of the BMPR1A gene. This is expected to create a premature translational stop signal and result in an absent or disrupted protein product. For these reasons, this variant has been classified as Pathogenic.

Literature cited by the submitters: PubMed 11536076; PubMed 12417513.

NC_000010.10:g.(?_88651874)_(88651996_?)del

Gene: BMPR1A (bone morphogenetic protein receptor type 1A; plus strand). Cytogenetic location: 10q23.2.
Variant type: Deletion.
Identifiers: ClinVar variation 1068878 (VCV001068878.6).